The following is an entry in ClinVar:

ClinVar aggregate classification (germline): Conflicting classifications of pathogenicity. Review status: criteria provided, conflicting classifications (1 of 4 stars). 2 submissions from 2 submitters: Uncertain significance (1); Likely benign (1). Last evaluated 2026-04-29.

Conditions:
PCSK1-related disorder. Also called: PCSK1-related condition.
Obesity due to prohormone convertase I deficiency. Also called: OBESITY AND ENDOCRINOPATHY DUE TO IMPAIRED PROCESSING OF PROHORMONES. Identifiers: Orphanet 71528, MedGen C1833053, MONDO:0010961, OMIM 600955.

Allele frequency attached by ClinVar (database versions not stated): gnomAD exomes below 0.00001.
gnomAD v4.1: 1 of 1,614,140 alleles (0.000062%); highest among the groups gnomAD compares: Middle Eastern, 0.016%; no homozygotes.

Submissions (2):

PreventionGenetics, part of Exact Sciences
Classification: Likely benign for PCSK1-related condition. Last evaluated: 2026-04-29. Review status: criteria provided, single submitter. Criteria: ACMG Guidelines, 2015. Collection method: clinical testing. Allele origin: germline.
Comment: This variant is classified as likely benign based on ACMG/AMP sequence variant interpretation guidelines (Richards et al. 2015 PMID: 25741868, with internal and published modifications).

Illumina Laboratory Services, Illumina
Classification: Uncertain significance for Obesity due to prohormone convertase I deficiency. Last evaluated: 2018-01-13. Review status: criteria provided, single submitter. Criteria: ICSL Variant Classification Criteria 13 December 2019. Collection method: clinical testing. Allele origin: germline.

NM_000439.5(PCSK1):c.2247G>A (p.Leu749=)

Genes: CAST (calpastatin; plus strand), PCSK1 (proprotein convertase subtilisin/kexin type 1; minus strand), LOC101929710 (uncharacterized LOC101929710; plus strand). Cytogenetic location: 5q15.
Variant type: single nucleotide variant.
Coding change: c.2247G>A on transcript NM_000439.5 (MANE Select); coding-DNA position 2247, G replaced by A.
Protein change: p.Leu749=; no amino-acid change (leucine 749 retained).
Molecular consequence: synonymous variant.
Genome position (GRCh38, 1-based): chr5:96,393,016, C>T on the plus strand (G>A on the coding strand, the complement: PCSK1 is on the minus strand). VCF-style: chr5-96393016-C-T. GRCh37 (hg19) VCF-style: chr5-95728720-C-T.
Other names: c.2106G>A, p.Leu702= (NM_001177875.2).
Identifiers: ClinVar variation 906890 (VCV000906890.5), dbSNP rs1760001769, ClinGen allele CA445490271.
Genomic context (GRCh38, chr5:96,393,016, plus strand): 5'-AAGGAAGAAGCATGAATATTTCCAACTTGGGACCACACACTTATTTTAATTTTCCTCATT[C>T]AGAATGTCCACCAGAGCTTGAAGCAGCCGGTCGTCTCTGTGCTTGTAAGGTTTAGTGTTA-3'
Protein context (NP_000430.3, residues 739-753): DRLLQALVDI[Leu749=]NEEN